The following is an entry in ClinVar:

ClinVar aggregate classification (germline): Uncertain significance (1 of 4 stars; one submission).

gnomAD v4.1: 3 of 1,614,046 alleles (0.00019%); highest among the groups gnomAD compares: Middle Eastern, 0.033%; no homozygotes.

Submission:

Labcorp Genetics (formerly Invitae), Labcorp
Classification: Uncertain significance. Last evaluated: 2022-12-16. Review status: criteria provided, single submitter. Criteria: Invitae Variant Classification Sherloc (09022015). Collection method: clinical testing. Allele origin: germline.
Comment: In summary, the available evidence is currently insufficient to determine the role of this variant in disease. Therefore, it has been classified as a Variant of Uncertain Significance. Advanced modeling of protein sequence and biophysical properties (such as structural, functional, and spatial information, amino acid conservation, physicochemical variation, residue mobility, and thermodynamic stability) performed at Invitae indicates that this missense variant is not expected to disrupt CERKL protein function. This variant has not been reported in the literature in individuals affected with CERKL-related conditions. This variant is not present in population databases (gnomAD no frequency). This sequence change replaces alanine, which is neutral and non-polar, with valine, which is neutral and non-polar, at codon 432 of the CERKL protein (p.Ala432Val).

NM_201548.5(CERKL):c.1217C>T (p.Ala406Val)

Gene: CERKL (CERK like autophagy regulator; minus strand). Cytogenetic location: 2q31.3.
Variant type: single nucleotide variant.
Coding change: c.1217C>T on transcript NM_201548.5 (MANE Select); coding-DNA position 1217, C replaced by T.
Protein change: p.Ala406Val; replaces alanine 406 with valine.
Molecular consequence: missense variant. On other transcripts: non-coding transcript variant (2).
Genome position (GRCh38, 1-based): chr2:181,547,669, G>A on the plus strand (C>T on the coding strand, the complement: CERKL is on the minus strand). VCF-style: chr2-181547669-G-A. GRCh37 (hg19) VCF-style: chr2-182412396-G-A.
Other names: c.1295C>T, p.Ala432Val (NM_001030311.3); c.878C>T, p.Ala293Val (NM_001030312.3); c.1010C>T, p.Ala337Val (NM_001030313.3); c.*499C>T (NM_001030314.1, NM_001030315.1); c.1163C>T, p.Ala388Val (NM_001160277.2); short protein forms A337V, A388V, A406V, A293V, A432V.
Identifiers: ClinVar variation 3016149 (VCV003016149.3), dbSNP rs2468291455, ClinGen allele CA349735392.